The following is an entry in ClinVar:

NM_170665.4(ATP2A2):c.2300A>G (p.Asn767Ser)

Gene: ATP2A2 (ATPase sarcoplasmic/endoplasmic reticulum Ca2+ transporting 2; plus strand). Cytogenetic location: 12q24.11.
Variant type: single nucleotide variant.
Coding change: c.2300A>G on transcript NM_170665.4 (MANE Select); coding-DNA position 2300, A replaced by G.
Protein change: p.Asn767Ser; replaces asparagine 767 with serine.
Molecular consequence: missense variant.
Genome position (GRCh38, 1-based): chr12:110,342,430, A>G. VCF-style: chr12-110342430-A-G. GRCh37 (hg19) VCF-style: chr12-110780235-A-G.
Other names: c.2300A>G, p.Asn767Ser (NM_001681.4); short protein forms N767S.
Identifiers: ClinVar variation 17792 (VCV000017792.9), dbSNP rs121912732, ClinGen allele CA127417.

ClinVar aggregate classification (germline): Pathogenic/Likely pathogenic. Review status: criteria provided, multiple submitters, no conflicts (2 of 4 stars). 6 submissions from 6 submitters: Pathogenic (3); Likely pathogenic (2). 1 of the submissions does not count toward it. Last evaluated 2025-12-24.

Conditions:
ATP2A2-related disorder. Also called: ATP2A2-Related Disorders; ATP2A2-related condition.
Keratosis follicularis (DAR). Also called: Darier disease; Darier's disease. Identifiers: Orphanet 218, MedGen C0022595, MONDO:0007417, OMIM 124200.
Darier disease, acral hemorrhagic type. Identifiers: MedGen C1852296.

Allele frequency attached by ClinVar (database versions not stated): gnomAD exomes below 0.00001.
gnomAD v4.1: 2 of 1,613,678 alleles (0.00012%); highest among the groups gnomAD compares: East Asian, 0.0022%; no homozygotes.

Submissions (6):

Labcorp Genetics (formerly Invitae), Labcorp
Classification: Pathogenic. Last evaluated: 2025-12-24. Review status: criteria provided, single submitter. Criteria: Invitae Variant Classification Sherloc (09022015). Collection method: clinical testing. Allele origin: germline.
Comment: This sequence change replaces asparagine, which is neutral and polar, with serine, which is neutral and polar, at codon 767 of the ATP2A2 protein (p.Asn767Ser). This variant is not present in population databases (gnomAD no frequency). This missense change has been observed in individuals with Darier disease (PMID: 10441324, 16467572, 17635506, 23356892). ClinVar contains an entry for this variant (Variation ID: 17792). Invitae Evidence Modeling of protein sequence and biophysical properties (such as structural, functional, and spatial information, amino acid conservation, physicochemical variation, residue mobility, and thermodynamic stability) indicates that this missense variant is not expected to disrupt ATP2A2 protein function with a negative predictive value of 80%. Studies have shown that this missense change alters ATP2A2 gene expression (PMID: 16467572, 16766529). For these reasons, this variant has been classified as Pathogenic.

GeneDx
Classification: Pathogenic. Last evaluated: 2025-11-03. Review status: criteria provided, single submitter. Criteria: GeneDx Variant Classification Process June 2021. Collection method: clinical testing. Allele origin: germline. Affected: yes.
Comment: Published functional studies demonstrate a damaging effect on protein function (PMID: 16766529); In silico analysis supports that this missense variant has a deleterious effect on protein structure/function; Missense variants in this gene are a common cause of disease and they are underrepresented in the general population; Not observed at significant frequency in large population cohorts (gnomAD); This variant is associated with the following publications: (PMID: 21527373, 16552539, 16467572, 10441325, 23356892, 20586837, 17635506, 30345710, 10441324, 16766529)

Department of Genetics, Rouen University Hospital, Normandy Center for Genomic and Personalized Medicine
Classification: Likely pathogenic for Keratosis follicularis. Last evaluated: 2024-03-07. Review status: criteria provided, single submitter. Criteria: ACMG Guidelines, 2015. Collection method: clinical testing. Allele origin: unknown. Affected: yes.

MGZ Medical Genetics Center
Classification: Likely pathogenic for Keratosis follicularis. Last evaluated: 2021-10-18. Review status: criteria provided, single submitter. Criteria: ACMG Guidelines, 2015. Collection method: clinical testing. Allele origin: germline. Affected: yes. Observed: 1 variant allele.
Comment: ACMG criteria applied: PS4_MOD, PM1, PM5, PS3_SUP, PM2_SUP, PP2, PP3

Blueprint Genetics
Classification: Pathogenic for ATP2A2-related disorders. Last evaluated: 2020-03-30. Review status: criteria provided, single submitter. Criteria: ACMG Guidelines, 2015. Collection method: clinical testing. Allele origin: germline. Affected: yes. Observed: 2 variant alleles.

OMIM
Classification: Pathogenic for DARIER DISEASE, ACRAL HEMORRHAGIC TYPE. Last evaluated: 1999-09-01. Review status: no assertion criteria provided. Collection method: literature only. Allele origin: germline. Not counted in ClinVar's aggregate classification.

Literature cited by the submitters: PubMed 10441324 (cited by Labcorp Genetics (formerly Invitae), Labcorp and OMIM); PubMed 16467572 (cited by Labcorp Genetics (formerly Invitae), Labcorp); PubMed 17635506 (cited by Labcorp Genetics (formerly Invitae), Labcorp); PubMed 23356892 (cited by Labcorp Genetics (formerly Invitae), Labcorp); PubMed 16766529 (cited by Labcorp Genetics (formerly Invitae), Labcorp).